The following is an entry in ClinVar:

ClinVar aggregate classification (germline): Likely pathogenic (1 of 4 stars; one submission).

Conditions:
Duchenne muscular dystrophy (DMD). Also called: Duchenne Muscular Dystrophy (DMD); MUSCULAR DYSTROPHY, PSEUDOHYPERTROPHIC PROGRESSIVE, DUCHENNE TYPE. Identifiers: Orphanet 98896, MedGen C0013264, MONDO:0010679, OMIM 310200.

Submission:

Labcorp Genetics (formerly Invitae), Labcorp
Classification: Likely pathogenic for Duchenne muscular dystrophy. Last evaluated: 2021-01-22. Review status: criteria provided, single submitter. Criteria: Invitae Variant Classification Sherloc (09022015). Collection method: clinical testing. Allele origin: germline.
Comment: In summary, the currently available evidence indicates that the variant is pathogenic, but additional data are needed to prove that conclusively. Therefore, this variant has been classified as Likely Pathogenic. Experimental studies and prediction algorithms are not available or were not evaluated, and the functional significance of this variant is currently unknown. A similar deletion of exon 9 has been observed in individual(s) with DMD-related muscular dystrophy (PMID: 26081009, 16770791). This variant is an in-frame deletion of the genomic region encompassing exon(s) 9 of the DMD gene. It preserves the integrity of the reading frame.

Literature cited by the submitters: PubMed 26081009; PubMed 16770791.

NC_000023.10:g.(?_32715977)_(32716130_?)del

Gene: DMD (dystrophin; minus strand). Cytogenetic location: Xp21.1.
Variant type: Deletion.
Identifiers: ClinVar variation 2424873 (VCV002424873.3).